The following is an entry in ClinVar:

ClinVar aggregate classification (germline): Uncertain significance (1 of 4 stars; one submission).

Submission:

Women's Health and Genetics/Laboratory Corporation of America, LabCorp
Classification: Uncertain significance. Last evaluated: 2025-11-07. Review status: criteria provided, single submitter. Criteria: LabCorp Variant Classification Summary - May 2015. Collection method: clinical testing. Allele origin: germline.
Comment: Variant summary: ZNF462 c.1751C>T (p.Pro584Leu) results in a non-conservative amino acid change in the encoded protein sequence. Algorithms developed to predict the effect of missense changes on protein structure and function are either unavailable or do not agree on the potential impact of this missense change. The variant was absent in 251426 control chromosomes. The available data on variant occurrences in the general population are insufficient to allow any conclusion about variant significance. To our knowledge, no occurrence of c.1751C>T in individuals affected with ZNF462-related conditions and no experimental evidence demonstrating its impact on protein function have been reported. No submitters have cited clinical-significance assessments for this variant to ClinVar. Based on the evidence outlined above, the variant was classified as uncertain significance.

NM_021224.6(ZNF462):c.1751C>T (p.Pro584Leu)

Gene: ZNF462 (zinc finger protein 462; plus strand). Cytogenetic location: 9q31.2.
Variant type: single nucleotide variant.
Coding change: c.1751C>T on transcript NM_021224.6 (MANE Select); coding-DNA position 1751, C replaced by T.
Protein change: p.Pro584Leu; replaces proline 584 with leucine.
Molecular consequence: missense variant.
Genome position (GRCh38, 1-based): chr9:106,925,663, C>T. VCF-style: chr9-106925663-C-T. GRCh37 (hg19) VCF-style: chr9-109687944-C-T.
Other names: c.1751C>T, p.Pro584Leu (NM_001347997.2); short protein forms P584L.
Identifiers: ClinVar variation 4536970 (VCV004536970.1).